The following is an entry in ClinVar:

ClinVar aggregate classification (germline): Likely benign (0 of 4 stars; one submission).

Conditions:
ITGA4-related disorder. Also called: ITGA4-related condition.

Allele frequency attached by ClinVar (database versions not stated): gnomAD exomes 0.00006; ExAC 0.00020; 1000 Genomes Project 0.00040; 1000 Genomes Project 30x 0.00047; TOPMed 0.00071; gnomAD 0.00072; ESP Exome Variant Server 0.00092.
gnomAD v4.1: 199 of 1,609,268 alleles (0.012%); highest among the groups gnomAD compares: African/African-American, 0.24%; no homozygotes.

Submission:

PreventionGenetics, part of Exact Sciences
Classification: Likely benign for ITGA4-related condition. Last evaluated: 2019-06-05. Review status: no assertion criteria provided. Collection method: clinical testing. Allele origin: germline.
Comment: This variant is classified as likely benign based on ACMG/AMP sequence variant interpretation guidelines (Richards et al. 2015 PMID: 25741868, with internal and published modifications).

NM_000885.6(ITGA4):c.2019G>A (p.Thr673=)

Gene: ITGA4 (integrin subunit alpha 4; plus strand). Cytogenetic location: 2q31.3.
Variant type: single nucleotide variant.
Coding change: c.2019G>A on transcript NM_000885.6 (MANE Select); coding-DNA position 2019, G replaced by A.
Protein change: p.Thr673=; no amino-acid change (threonine 673 retained).
Molecular consequence: synonymous variant.
Genome position (GRCh38, 1-based): chr2:181,522,287, G>A. VCF-style: chr2-181522287-G-A. GRCh37 (hg19) VCF-style: chr2-182387014-G-A.
Identifiers: ClinVar variation 3044366 (VCV003044366.2), dbSNP rs35021228, ClinGen allele CA2009825.
Genomic context (GRCh38, chr2:181,522,287, plus strand): 5'-TATGAAGACATTGATGTTGAATGTGTCCTTGTTTAATGCTGGAGATGATGCATATGAAAC[G>A]ACTCTACATGTCAAACTACCCGTGGGTCTTTATTTCATTAAGATTTTAGAGCTGGTAAGT-3'
Protein context (NP_000876.3, residues 663-683): LFNAGDDAYE[Thr673=]TLHVKLPVGL